The following is an entry in ClinVar:

NM_002691.4(POLD1):c.317-42C>T

Gene: POLD1 (DNA polymerase delta 1, catalytic subunit; plus strand). Cytogenetic location: 19q13.33.
Variant type: single nucleotide variant.
Coding change: c.317-42C>T on transcript NM_002691.4 (MANE Select); 42 bases into the intron before coding-DNA position 317, C replaced by T.
Molecular consequence: intron variant.
Genome position (GRCh38, 1-based): chr19:50,401,736, C>T. VCF-style: chr19-50401736-C-T. GRCh37 (hg19) VCF-style: chr19-50904993-C-T.
Other names: c.317-42C>T (NM_001256849.1, NM_001308632.1).
Identifiers: ClinVar variation 676545 (VCV000676545.9), dbSNP rs3219374, ClinGen allele CA9595684.
Genomic context (GRCh38, chr19:50,401,736, plus strand): 5'-GAGTGCCCCAGGCTGCAGGCCCCAAGGTATTTCGAGGCTGTGGAGACACACCTTGGAGGA[C>T]CCTGAGAGGCATGGCCGCTGTCTTACCCTGTGACCCCACAGGCCCAGCGCAGCCTGTGCC-3'

ClinVar aggregate classification (germline): Benign. Review status: criteria provided, multiple submitters, no conflicts (2 of 4 stars). 3 submissions from 3 submitters: Benign (3). Last evaluated 2025-03-04.

Allele frequency attached by ClinVar (database versions not stated): gnomAD exomes 0.00211 and 0.00545; ExAC 0.00635; gnomAD 0.01992; TOPMed 0.02232; ESP Exome Variant Server 0.02277; 1000 Genomes Project 0.02416; 1000 Genomes Project 30x 0.02561.
gnomAD v4.1: 6,435 of 1,605,562 alleles (0.4%); highest among the groups gnomAD compares: African/African-American, 7.2%; 216 homozygotes.

Submissions (3):

Center for Genomic Medicine, Rigshospitalet, Copenhagen University Hospital
Classification: Benign. Last evaluated: 2025-03-04. Review status: criteria provided, single submitter. Criteria: ACMG Guidelines, 2015. Collection method: clinical testing. Allele origin: germline.

GeneDx
Classification: Benign. Last evaluated: 2018-06-18. Review status: criteria provided, single submitter. Criteria: GeneDx Variant Classification (06012015). Collection method: clinical testing. Allele origin: germline. Affected: yes.
Comment: This variant is considered likely benign or benign based on one or more of the following criteria: it is a conservative change, it occurs at a poorly conserved position in the protein, it is predicted to be benign by multiple in silico algorithms, and/or has population frequency not consistent with disease.

Breakthrough Genomics
Classification: Benign. Review status: criteria provided, single submitter. Criteria: ACMG Guidelines, 2015. Collection method: not provided. Allele origin: germline. Inheritance: Autosomal dominant inheritance. Affected: yes.